The following is an entry in ClinVar:

NM_138959.3(VANGL1):c.*1627A>G

Gene: VANGL1 (VANGL planar cell polarity protein 1; plus strand). Cytogenetic location: 1p13.1.
Variant type: single nucleotide variant.
Coding change: c.*1627A>G on transcript NM_138959.3 (MANE Select); 1627 bases downstream of the stop codon, A replaced by G.
Molecular consequence: 3 prime UTR variant.
Genome position (GRCh38, 1-based): chr1:115,693,006, A>G. VCF-style: chr1-115693006-A-G. GRCh37 (hg19) VCF-style: chr1-116235627-A-G.
Other names: c.*1627A>G (NM_001172411.2, NM_001172412.2).
Identifiers: ClinVar variation 292040 (VCV000292040.5), dbSNP rs149888685, ClinGen allele CA10607735.

ClinVar aggregate classification (germline): Benign. Review status: criteria provided, single submitter (1 of 4 stars). 2 submissions from 1 submitter: Benign (2). Last evaluated 2018-01-13.

Conditions:
Sacral defect with anterior meningocele. Identifiers: MedGen C1838568, OMIM 600145.
Neural tube defect (NTD). Also called: Neural tube defects. Identifiers: Orphanet 3388, Orphanet 823, MedGen C0027794, MONDO:0018075, HP:0045005.

Allele frequency attached by ClinVar (database versions not stated): gnomAD 0.00606 and 0.00630; 1000 Genomes Project 0.01198; TOPMed 0.01308; 1000 Genomes Project 30x 0.01405.

Submissions (2):

Illumina Laboratory Services, Illumina
Classification: Benign for Sacral defect with anterior meningocele. Last evaluated: 2018-01-13. Review status: criteria provided, single submitter. Criteria: ICSL Variant Classification Criteria 13 December 2019. Collection method: clinical testing. Allele origin: germline.
Comment: This variant was observed in the ICSL laboratory as part of a predisposition screen in an ostensibly healthy population. It had not been previously curated by ICSL or reported in the Human Gene Mutation Database (HGMD: prior to June 1st, 2018), and was therefore a candidate for classification through an automated scoring system. Utilizing variant allele frequency, disease prevalence and penetrance estimates, and inheritance mode, an automated score was calculated to assess if this variant is too frequent to cause the disease. Based on the score and internal cut-off values, a variant classified as benign is not then subjected to further curation. The score for this variant resulted in a classification of benign for this disease.

Illumina Laboratory Services, Illumina
Classification: Benign for Neural tube defects, susceptibility to. Last evaluated: 2018-01-13. Review status: criteria provided, single submitter. Criteria: ICSL Variant Classification Criteria 13 December 2019. Collection method: clinical testing. Allele origin: germline.
Comment: the same text as in the submission from Illumina Laboratory Services, Illumina above.